The following is an entry in ClinVar:

ClinVar aggregate classification (germline): Conflicting classifications of pathogenicity. Review status: criteria provided, conflicting classifications (1 of 4 stars). 2 submissions from 2 submitters: Likely pathogenic (1); Uncertain significance (1). Last evaluated 2023-10-18.

Conditions:
Inborn genetic diseases. Identifiers: MedGen C0950123, MeSH D030342.
Ceroid lipofuscinosis, neuronal, 6B (Kufs type). Also called: Neuronal ceroid lipofuscinosis 4A. Identifiers: Orphanet 700477, MedGen C5561927, MONDO:0008768, OMIM 204300.

Allele frequency attached by ClinVar (database versions not stated): gnomAD exomes below 0.00001; TOPMed below 0.00001.
gnomAD v4.1: 6 of 1,613,972 alleles (0.00037%); highest among the groups gnomAD compares: East Asian, 0.0022%; no homozygotes.

Submissions (2):

Human Genome Lab, NIMHANS, National Institute of Mental Health and Neuro Sciences
Classification: Likely pathogenic for Ceroid lipofuscinosis, neuronal, 6B (Kufs type). Last evaluated: 2023-10-18. Review status: criteria provided, single submitter. Criteria: ACMG Guidelines, 2015. Collection method: clinical testing. Allele origin: germline. Inheritance: Autosomal recessive inheritance. Affected: yes. Observed: 1 homozygote.
Comment: The missense variant NM_017882.3:c.425A>G is a previously reported variant of uncertain significance (ClinVar Accession ID: VCV000589880.4). The NP_060352.1:p.Tyr142Cys variant is novel in 1000 Genomes as well as in our inhouse database. The p.Tyr142Cys variant is observed in 1/17,248 (0.0058%) alleles from individuals of gnomAD East Asian background in gnomAD in heterozygous state. There is a large physicochemical difference between tyrosine and cysteine, which is likely to impact secondary protein structure as these residues differ in polarity, charge, size and/or other properties. 2 variants within 6 amino acid positions of the variant p.Tyr142Cys have been shown to be pathogenic, while none have been shown to be benign. The p.Tyr142Cys missense variant is predicted to be damaging by both SIFT and PolyPhen2. The tyrosine residue at codon 142 of CLN6 is conserved in all mammalian species. The nucleotide c.425 in CLN6 is predicted conserved by GERP++ and PhyloP across 100 vertebrates. In addition, the patient’s phenotype matches with that of the disorder caused by pathogenic variants in CLN6. For these reasons, this variant has been classified as Likely Pathogenic (PM2 PM1 PP3 PP4)

Ambry Genetics
Classification: Uncertain significance for Inborn genetic diseases. Last evaluated: 2016-08-04. Review status: criteria provided, single submitter. Criteria: Ambry Variant Classification Scheme 2023. Collection method: clinical testing. Allele origin: germline.
Comment: The p.Y142C variant (also known as c.425A>G), located in coding exon 4 of the CLN6 gene, results from an A to G substitution at nucleotide position 425. The tyrosine at codon 142 is replaced by cysteine, an amino acid with highly dissimilar properties. This variant was not reported in population based cohorts in the following databases: Database of Single Nucleotide Polymorphisms (dbSNP), NHLBI Exome Sequencing Project (ESP), and 1000 Genomes Project. In the ESP, this variant was not observed in 6498 samples (12996 alleles) with coverage at this position. This amino acid position is highly conserved in available vertebrate species. In addition, this alteration is predicted to be deleterious by in silico analysis. Since supporting evidence is limited at this time, the clinical significance of this alteration remains unclear.

NM_017882.3(CLN6):c.425A>G (p.Tyr142Cys)

Gene: CLN6 (CLN6 transmembrane ER protein; minus strand). Cytogenetic location: 15q23.
Variant type: single nucleotide variant.
Coding change: c.425A>G on transcript NM_017882.3 (MANE Select); coding-DNA position 425, A replaced by G.
Protein change: p.Tyr142Cys; replaces tyrosine 142 with cysteine.
Molecular consequence: missense variant.
Genome position (GRCh38, 1-based): chr15:68,211,736, T>C on the plus strand (A>G on the coding strand, the complement: CLN6 is on the minus strand). VCF-style: chr15-68211736-T-C. GRCh37 (hg19) VCF-style: chr15-68504074-T-C.
Other names: short protein forms Y142C.
Identifiers: ClinVar variation 589880 (VCV000589880.6), dbSNP rs1227254537, ClinGen allele CA392973433.